The following is an entry in ClinVar:

NM_001371986.1(UNC80):c.3010A>C (p.Met1004Leu)

Gene: UNC80 (unc-80 subunit of NALCN channel complex; plus strand). Cytogenetic location: 2q34.
Variant type: single nucleotide variant.
Coding change: c.3010A>C on transcript NM_001371986.1 (MANE Select); coding-DNA position 3010, A replaced by C.
Protein change: p.Met1004Leu; replaces methionine 1004 with leucine.
Molecular consequence: missense variant.
Genome position (GRCh38, 1-based): chr2:209,834,979, A>C. VCF-style: chr2-209834979-A-C. GRCh37 (hg19) VCF-style: chr2-210699703-A-C.
Other names: c.3010A>C, p.Met1004Leu (NM_032504.2); c.2995A>C, p.Met999Leu (NM_182587.4); short protein forms M999L, M1004L.
Identifiers: ClinVar variation 1449347 (VCV001449347.6), dbSNP rs1371876936, ClinGen allele CA350411959.

ClinVar aggregate classification (germline): Uncertain significance (1 of 4 stars; one submission).

Submission:

Labcorp Genetics (formerly Invitae), Labcorp
Classification: Uncertain significance. Last evaluated: 2024-02-24. Review status: criteria provided, single submitter. Criteria: Invitae Variant Classification Sherloc (09022015). Collection method: clinical testing. Allele origin: germline.
Comment: This sequence change replaces methionine, which is neutral and non-polar, with leucine, which is neutral and non-polar, at codon 1004 of the UNC80 protein (p.Met1004Leu). This variant is not present in population databases (gnomAD no frequency). This variant has not been reported in the literature in individuals affected with UNC80-related conditions. ClinVar contains an entry for this variant (Variation ID: 1449347). Algorithms developed to predict the effect of missense changes on protein structure and function output the following: SIFT: "Not Available"; PolyPhen-2: "Benign"; Align-GVGD: "Not Available". The leucine amino acid residue is found in multiple mammalian species, which suggests that this missense change does not adversely affect protein function. In summary, the available evidence is currently insufficient to determine the role of this variant in disease. Therefore, it has been classified as a Variant of Uncertain Significance.